The following is an entry in ClinVar:

ClinVar aggregate classification (germline): Uncertain significance. Review status: criteria provided, multiple submitters, no conflicts (2 of 4 stars). 6 submissions from 6 submitters: Uncertain significance (6). Last evaluated 2026-07-27.

Conditions:
PNPT1-related disorder. Also called: PNPT1-related disorders; PNPT1-related condition.
Inborn genetic diseases. Identifiers: MedGen C0950123, MeSH D030342.

Allele frequency attached by ClinVar (database versions not stated): ExAC 0.00002; gnomAD exomes 0.00004; gnomAD 0.00006.

Submissions (6):

PreventionGenetics, part of Exact Sciences
Classification: Uncertain significance for PNPT1-related condition. Last evaluated: 2026-07-27. Review status: criteria provided, single submitter. Criteria: ACMG Guidelines, 2015. Collection method: clinical testing. Allele origin: germline.
Comment: The PNPT1 c.1834G>T variant is predicted to result in the amino acid substitution p.Val612Phe. To our knowledge, this variant has not been reported in the literature. This variant is reported in 0.0097% of alleles in individuals of Ashkenazi Jewish descent in gnomAD. At this time, the clinical significance of this variant is uncertain due to the absence of conclusive functional and genetic evidence.

Women's Health and Genetics/Laboratory Corporation of America, LabCorp
Classification: Uncertain significance. Last evaluated: 2026-03-03. Review status: criteria provided, single submitter. Criteria: LabCorp Variant Classification Summary - May 2015. Collection method: clinical testing. Allele origin: germline.
Comment: Variant summary: PNPT1 c.1834G>T (p.Val612Phe) results in a non-conservative amino acid change in the encoded protein sequence. Algorithms developed to predict the effect of missense changes on protein structure and function are either unavailable or do not agree on the potential impact of this missense change. The variant allele was found at a frequency of 3.6e-05 in 250862 control chromosomes. The available data on variant occurrences in the general population are insufficient to allow any conclusion about variant significance. To our knowledge, no occurrence of c.1834G>T in individuals affected with PNPT1-related conditions and no experimental evidence demonstrating its impact on protein function have been reported. ClinVar contains an entry for this variant (Variation ID: 1448220). Based on the evidence outlined above, the variant was classified as uncertain significance.

Ambry Genetics
Classification: Uncertain significance for Inborn genetic diseases. Last evaluated: 2023-06-05. Review status: criteria provided, single submitter. Criteria: Ambry Variant Classification Scheme 2023. Collection method: clinical testing. Allele origin: germline.

Blueprint Genetics
Classification: Uncertain significance. Last evaluated: 2023-05-05. Review status: criteria provided, single submitter. Criteria: ACMG Guidelines, 2015. Collection method: clinical testing. Allele origin: germline.

GeneDx
Classification: Uncertain significance. Last evaluated: 2022-12-02. Review status: criteria provided, single submitter. Criteria: GeneDx Variant Classification Process June 2021. Collection method: clinical testing. Allele origin: germline. Affected: yes.
Comment: Not observed at significant frequency in large population cohorts (gnomAD); In silico analysis supports that this missense variant has a deleterious effect on protein structure/function; Has not been previously published as pathogenic or benign to our knowledge

Labcorp Genetics (formerly Invitae), Labcorp
Classification: Uncertain significance. Last evaluated: 2022-10-19. Review status: criteria provided, single submitter. Criteria: Invitae Variant Classification Sherloc (09022015). Collection method: clinical testing. Allele origin: germline.
Comment: This sequence change replaces valine, which is neutral and non-polar, with phenylalanine, which is neutral and non-polar, at codon 612 of the PNPT1 protein (p.Val612Phe). This variant is present in population databases (rs752148258, gnomAD 0.01%). This variant has not been reported in the literature in individuals affected with PNPT1-related conditions. ClinVar contains an entry for this variant (Variation ID: 1448220). Advanced modeling of protein sequence and biophysical properties (such as structural, functional, and spatial information, amino acid conservation, physicochemical variation, residue mobility, and thermodynamic stability) performed at Invitae indicates that this missense variant is not expected to disrupt PNPT1 protein function. In summary, the available evidence is currently insufficient to determine the role of this variant in disease. Therefore, it has been classified as a Variant of Uncertain Significance.

NM_033109.5(PNPT1):c.1834G>T (p.Val612Phe)

Gene: PNPT1 (polyribonucleotide nucleotidyltransferase 1; minus strand). Cytogenetic location: 2p16.1.
Variant type: single nucleotide variant.
Coding change: c.1834G>T on transcript NM_033109.5 (MANE Select); coding-DNA position 1834, G replaced by T.
Protein change: p.Val612Phe; replaces valine 612 with phenylalanine.
Molecular consequence: missense variant.
Genome position (GRCh38, 1-based): chr2:55,644,709, C>A on the plus strand (G>T on the coding strand, the complement: PNPT1 is on the minus strand). VCF-style: chr2-55644709-C-A. GRCh37 (hg19) VCF-style: chr2-55871844-C-A.
Other names: c.1834G>T (NM_033109.4, NM_033109.3); short protein forms V612F.
Identifiers: ClinVar variation 1448220 (VCV001448220.8), dbSNP rs752148258, ClinGen allele CA1667910.